The following is an entry in ClinVar:

NM_005324.5(H3-3B):c.11C>T (p.Thr4Ile)

Gene: H3-3B (H3.3 histone B; minus strand). Cytogenetic location: 17q25.1.
Variant type: single nucleotide variant.
Coding change: c.11C>T on transcript NM_005324.5 (MANE Select); coding-DNA position 11, C replaced by T.
Protein change: p.Thr4Ile; replaces threonine 4 with isoleucine.
Molecular consequence: missense variant.
Genome position (GRCh38, 1-based): chr17:75,779,164, G>A on the plus strand (C>T on the coding strand, the complement: H3-3B is on the minus strand). VCF-style: chr17-75779164-G-A. GRCh37 (hg19) VCF-style: chr17-73775245-G-A.
Other names: short protein forms T4I.
Identifiers: ClinVar variation 3374710 (VCV003374710.2).
Genomic context (GRCh38, chr17:75,779,164, plus strand): 5'-TTCGTGGCCAGCTGTTTGCGGGGGGCTTTCCCACCGGTGGACTTACGAGCAGTCTGCTTG[G>A]TTCGGGCCATTTTCTTTCACCTAAGAAAGACGCCCCGAAGATAAGGCCGCCGCGCTCACC-3'
Protein context (NP_005315.1, residues 1-14): MAR[Thr4Ile]KQTARKSTGG

ClinVar aggregate classification (germline): Likely pathogenic (1 of 4 stars; one submission).

Conditions:
Bryant-Li-Bhoj neurodevelopmental syndrome 2 (BRYLIB2). Also called: H3-3B syndrome. Identifiers: MedGen C5676906, MONDO:0030607, OMIM 619721. Disease mechanism: loss of function.

Submission:

Molecular Genetics Laboratory, Motol Hospital
Classification: Likely pathogenic for Bryant-Li-Bhoj neurodevelopmental syndrome 2. Last evaluated: 2024-11-06. Review status: criteria provided, single submitter. Criteria: ACMG Guidelines, 2015. Collection method: clinical testing. Allele origin: de novo. Affected: yes. Observed: 1 variant allele.
Comment: The variant was confirmed to be of a de novo origin. Rare missense variants affecting the H3F3B gene are well documented as a molecular cause of Bryant-Li-Bhoj neurodevelopmental syndrome 2 (OMIM:619239) (PMID:34876591;33268356). To conclude, the variant is classified as likely pathogenic (ACMG PM1, PM2. PS2, PP2).

Literature cited by the submitters: PubMed 34876591; PubMed 33268356.